The following is an entry in ClinVar:

ClinVar aggregate classification (germline): Uncertain significance (1 of 4 stars; one submission).

Conditions:
Cardiovascular phenotype. Identifiers: MedGen CN230736.
Hereditary cancer-predisposing syndrome. Also called: Hereditary neoplastic syndrome; Neoplastic Syndromes, Hereditary; Tumor predisposition; Hereditary Cancer Syndrome. Identifiers: Orphanet 140162, MedGen C0027672, MeSH D009386, MONDO:0015356.

Submission:

Ambry Genetics
Classification: Uncertain significance for Cardiovascular phenotype; Hereditary cancer-predisposing syndrome. Last evaluated: 2025-06-27. Review status: criteria provided, single submitter. Criteria: Ambry Variant Classification Scheme 2023. Collection method: clinical testing. Allele origin: germline.
Comment: The p.L2483H variant (also known as c.7448T>A), located in coding exon 50 of the NF1 gene, results from a T to A substitution at nucleotide position 7448. The leucine at codon 2483 is replaced by histidine, an amino acid with similar properties. This amino acid position is conserved. In addition, the in silico prediction for this alteration is inconclusive. Based on the available evidence, the clinical significance of this variant remains unclear.

NM_001042492.3(NF1):c.7511T>A (p.Leu2504His)

Gene: NF1 (neurofibromin 1; plus strand). Cytogenetic location: 17q11.2.
Variant type: single nucleotide variant.
Coding change: c.7511T>A on transcript NM_001042492.3 (MANE Select); coding-DNA position 7511, T replaced by A.
Protein change: p.Leu2504His; replaces leucine 2504 with histidine.
Molecular consequence: missense variant.
Genome position (GRCh38, 1-based): chr17:31,352,310, T>A. VCF-style: chr17-31352310-T-A. GRCh37 (hg19) VCF-style: chr17-29679328-T-A.
Other names: c.7448T>A, p.Leu2483His (NM_000267.4); short protein forms L2504H, L2483H.
Identifiers: ClinVar variation 4119077 (VCV004119077.1).